The following is an entry in ClinVar:

ClinVar aggregate classification (germline): Uncertain significance (1 of 4 stars; one submission).

Allele frequency attached by ClinVar (database versions not stated): gnomAD exomes below 0.00001; TOPMed below 0.00001.
gnomAD v4.1: 2 of 1,614,080 alleles (0.00012%); highest among the groups gnomAD compares: Non-Finnish European, 0.00017%; no homozygotes.

Submission:

Ambry Genetics
Classification: Uncertain significance. Last evaluated: 2022-04-22. Review status: criteria provided, single submitter. Criteria: Ambry Variant Classification Scheme 2023. Collection method: clinical testing. Allele origin: germline.
Comment: The p.V791A variant (also known as c.2372T>C), located in coding exon 4 of the ALPK2 gene, results from a T to C substitution at nucleotide position 2372. The valine at codon 791 is replaced by alanine, an amino acid with similar properties. This amino acid position is conserved. In addition, this alteration is predicted to be tolerated by in silico analysis. Since supporting evidence is limited at this time, the clinical significance of this alteration remains unclear.

NM_052947.4(ALPK2):c.2372T>C (p.Val791Ala)

Gene: ALPK2 (alpha kinase 2; minus strand). Cytogenetic location: 18q21.31.
Variant type: single nucleotide variant.
Coding change: c.2372T>C on transcript NM_052947.4 (MANE Select); coding-DNA position 2372, T replaced by C.
Protein change: p.Val791Ala; replaces valine 791 with alanine.
Molecular consequence: missense variant.
Genome position (GRCh38, 1-based): chr18:58,537,815, A>G on the plus strand (T>C on the coding strand, the complement: ALPK2 is on the minus strand). VCF-style: chr18-58537815-A-G. GRCh37 (hg19) VCF-style: chr18-56205047-A-G.
Other names: short protein forms V791A.
Identifiers: ClinVar variation 1790314 (VCV001790314.2), dbSNP rs111384935, ClinGen allele CA300927652.